The following is an entry in ClinVar:

NM_001232.4(CASQ2):c.874G>T (p.Ala292Ser)

Gene: CASQ2 (calsequestrin 2; minus strand). Cytogenetic location: 1p13.1.
Variant type: single nucleotide variant.
Coding change: c.874G>T on transcript NM_001232.4 (MANE Select); coding-DNA position 874, G replaced by T.
Protein change: p.Ala292Ser; replaces alanine 292 with serine.
Molecular consequence: missense variant.
Genome position (GRCh38, 1-based): chr1:115,705,257, C>A on the plus strand (G>T on the coding strand, the complement: CASQ2 is on the minus strand). VCF-style: chr1-115705257-C-A. GRCh37 (hg19) VCF-style: chr1-116247878-C-A.
Other names: short protein forms A292S.
Identifiers: ClinVar variation 228470 (VCV000228470.38), dbSNP rs200643387, ClinGen allele CA1023708.

ClinVar aggregate classification (germline): Conflicting classifications of pathogenicity. Review status: criteria provided, conflicting classifications (1 of 4 stars). 6 submissions from 6 submitters: Uncertain significance (3); Benign (1); Likely benign (2). Last evaluated 2026-01-05.

Conditions:
Cardiovascular phenotype. Identifiers: MedGen CN230736.
Catecholaminergic polymorphic ventricular tachycardia 2. Also called: CASQ2-Related Catecholaminergic Polymorphic Ventricular Tachycardia; VENTRICULAR TACHYCARDIA, STRESS-INDUCED POLYMORPHIC 2. Identifiers: Orphanet 3286, MedGen C2677794, MONDO:0012762, OMIM 611938.
Catecholaminergic polymorphic ventricular tachycardia 1. Also called: RYR2-Related Catecholaminergic Polymorphic Ventricular Tachycardia; VENTRICULAR TACHYCARDIA, STRESS-INDUCED POLYMORPHIC 1; VENTRICULAR TACHYCARDIA, CATECHOLAMINERGIC POLYMORPHIC, 1, WITH OR WITHOUT ATRIAL DYSFUNCTION AND/OR DILATED CARDIOMYOPATHY. Identifiers: Orphanet 3286, MedGen C1631597, MONDO:0011484, OMIM 604772.
Long QT syndrome (LQTS). Identifiers: MedGen C0023976, MeSH D008133, MONDO:0002442. Disease mechanism: loss of function. Inheritance: Various modes of inheritance.

Allele frequency attached by ClinVar (database versions not stated): TOPMed 0.00006; ESP Exome Variant Server 0.00015; 1000 Genomes Project 30x 0.00016; gnomAD exomes 0.00017 and 0.00029; 1000 Genomes Project 0.00020; ExAC 0.00024; gnomAD 0.00031 and 0.00033.
gnomAD v4.1: 291 of 1,613,998 alleles (0.018%); highest among the groups gnomAD compares: Non-Finnish European, 0.0091%; no homozygotes.

Submissions (6):

Labcorp Genetics (formerly Invitae), Labcorp
Classification: Likely benign for Catecholaminergic polymorphic ventricular tachycardia 1. Last evaluated: 2026-01-05. Review status: criteria provided, single submitter. Criteria: Invitae Variant Classification Sherloc (09022015). Collection method: clinical testing. Allele origin: germline.

Ambry Genetics
Classification: Likely benign for Cardiovascular phenotype. Last evaluated: 2025-06-25. Review status: criteria provided, single submitter. Criteria: Ambry Variant Classification Scheme 2023. Collection method: clinical testing. Allele origin: germline.

Blueprint Genetics
Classification: Benign. Last evaluated: 2024-10-24. Review status: criteria provided, single submitter. Criteria: ACMG Guidelines, 2015. Collection method: clinical testing. Allele origin: germline.

Dept of Medical Biology, Uskudar University
Classification: Uncertain significance for Long QT syndrome. Last evaluated: 2024-01-08. Review status: criteria provided, single submitter. Criteria: Dept of Medical Biology Variant Classification. Collection method: research. Allele origin: maternal. Affected: yes. Observed: 1 variant allele.
Comment: Criteria: BS1, PP3

Illumina Laboratory Services, Illumina
Classification: Uncertain significance for Catecholaminergic polymorphic ventricular tachycardia 2. Last evaluated: 2018-01-12. Review status: criteria provided, single submitter. Criteria: ICSL Variant Classification Criteria 13 December 2019. Collection method: clinical testing. Allele origin: germline.

Laboratory for Molecular Medicine, Mass General Brigham Personalized Medicine
Classification: Uncertain significance. Last evaluated: 2015-04-03. Review status: criteria provided, single submitter. Criteria: LMM Criteria. Collection method: clinical testing. Allele origin: germline. Observed: 1 variant allele.
Comment: Variant classified as Uncertain Significance - Favor Benign. The p.Ala292Ser in CASQ2 has not been reported in individuals with cardiomopathy, but has been repo rted in 0.2% (13/6602) of Finnish chromosomes by the Exome Aggregation Consortiu m (ExAC; dbSNP rs200643387). Computational predi ction tools and conservation analysis do not provide strong support for or again st and impact to the protein. In summary, while the clinical significance of the p.Ala292Ser variant is uncertain, its frequency suggests that it is more likely to be benign.

Literature cited by the submitters: PubMed 29915098 (cited by Ambry Genetics); PubMed 30775854 (cited by Ambry Genetics).